The following is an entry in ClinVar:

NM_024675.4(PALB2):c.1647C>G (p.His549Gln)

Gene: PALB2 (partner and localizer of BRCA2; minus strand). Cytogenetic location: 16p12.2.
Variant type: single nucleotide variant.
Coding change: c.1647C>G on transcript NM_024675.4 (MANE Select); coding-DNA position 1647, C replaced by G.
Protein change: p.His549Gln; replaces histidine 549 with glutamine.
Molecular consequence: missense variant.
Genome position (GRCh38, 1-based): chr16:23,634,899, G>C on the plus strand (C>G on the coding strand, the complement: PALB2 is on the minus strand). VCF-style: chr16-23634899-G-C. GRCh37 (hg19) VCF-style: chr16-23646220-G-C.
Other names: short protein forms H549Q.
Identifiers: ClinVar variation 656191 (VCV000656191.10), dbSNP rs747842085, ClinGen allele CA395130140.

ClinVar aggregate classification (germline): Conflicting classifications of pathogenicity. Review status: criteria provided, conflicting classifications (1 of 4 stars). 2 submissions from 2 submitters: Uncertain significance (1); Likely benign (1). Last evaluated 2025-01-14.

Conditions:
Familial cancer of breast. Also called: Hereditary breast cancer; hereditary breast carcinoma; BREAST CANCER, FAMILIAL. Identifiers: Orphanet 227535, MedGen C0346153, MONDO:0016419, OMIM 114480. Disease mechanism: loss of function.

Submissions (2):

Myriad Genetics, Inc.
Classification: Likely benign for Familial cancer of breast. Last evaluated: 2025-01-14. Review status: criteria provided, single submitter. Criteria: Myriad Autosomal Dominant, Autosomal Recessive and X-Linked Classification Criteria (2023). Collection method: clinical testing. Allele origin: unknown.
Comment: This variant is considered likely benign. This variant is strongly associated with less severe personal and family histories of cancer, typical for individuals without pathogenic variants in this gene [PMID: 25085752].

Labcorp Genetics (formerly Invitae), Labcorp
Classification: Uncertain significance for Familial cancer of breast. Last evaluated: 2024-11-11. Review status: criteria provided, single submitter. Criteria: Invitae Variant Classification Sherloc (09022015). Collection method: clinical testing. Allele origin: germline.
Comment: This sequence change replaces histidine, which is basic and polar, with glutamine, which is neutral and polar, at codon 549 of the PALB2 protein (p.His549Gln). This variant is not present in population databases (gnomAD no frequency). This variant has not been reported in the literature in individuals affected with PALB2-related conditions. ClinVar contains an entry for this variant (Variation ID: 656191). Invitae Evidence Modeling of protein sequence and biophysical properties (such as structural, functional, and spatial information, amino acid conservation, physicochemical variation, residue mobility, and thermodynamic stability) indicates that this missense variant is not expected to disrupt PALB2 protein function with a negative predictive value of 80%. In summary, the available evidence is currently insufficient to determine the role of this variant in disease. Therefore, it has been classified as a Variant of Uncertain Significance.

Literature cited by the submitters: PubMed 25085752 (cited by Myriad Genetics, Inc.).